The following is an entry in ClinVar:

NM_001060.6(TBXA2R):c.999G>T (p.Gln333His)

Gene: TBXA2R (thromboxane A2 receptor; minus strand). Cytogenetic location: 19p13.3.
Variant type: single nucleotide variant.
Coding change: c.999G>T on transcript NM_001060.6 (MANE Select); coding-DNA position 999, G replaced by T.
Protein change: p.Gln333His; replaces glutamine 333 with histidine.
Molecular consequence: missense variant. On other transcripts: intron variant (1).
Genome position (GRCh38, 1-based): chr19:3,595,721, C>A on the plus strand (G>T on the coding strand, the complement: TBXA2R is on the minus strand). VCF-style: chr19-3595721-C-A. GRCh37 (hg19) VCF-style: chr19-3595719-C-A.
Other names: c.983+16G>T (NM_201636.3); short protein forms Q333H.
Identifiers: ClinVar variation 2149692 (VCV002149692.6), dbSNP rs200765364, ClinGen allele CA9080720.

ClinVar aggregate classification (germline): Uncertain significance. Review status: criteria provided, multiple submitters, no conflicts (2 of 4 stars). 3 submissions from 3 submitters: Uncertain significance (3). Last evaluated 2025-11-12.

Conditions:
Inborn genetic diseases. Identifiers: MedGen C0950123, MeSH D030342.

Allele frequency attached by ClinVar (database versions not stated): ExAC 0.00002; gnomAD 0.00002; gnomAD exomes 0.00009; ESP Exome Variant Server 0.00024.
gnomAD v4.1: 126 of 1,599,174 alleles (0.0079%); highest among the groups gnomAD compares: Non-Finnish European, 0.01%; no homozygotes.

Submissions (3):

Labcorp Genetics (formerly Invitae), Labcorp
Classification: Uncertain significance. Last evaluated: 2025-11-12. Review status: criteria provided, single submitter. Criteria: Invitae Variant Classification Sherloc (09022015). Collection method: clinical testing. Allele origin: germline.
Comment: This sequence change replaces glutamine, which is neutral and polar, with histidine, which is basic and polar, at codon 333 of the TBXA2R protein (p.Gln333His). The frequency data for this variant in the population databases is considered unreliable, as metrics indicate poor data quality at this position in the gnomAD database. This variant has not been reported in the literature in individuals affected with TBXA2R-related conditions. ClinVar contains an entry for this variant (Variation ID: 2149692). An algorithm developed to predict the effect of missense changes on protein structure and function (PolyPhen-2) suggests that this variant is likely to be tolerated. In summary, the available evidence is currently insufficient to determine the role of this variant in disease. Therefore, it has been classified as a Variant of Uncertain Significance.

Ambry Genetics
Classification: Uncertain significance for Inborn genetic diseases. Last evaluated: 2024-04-04. Review status: criteria provided, single submitter. Criteria: Ambry Variant Classification Scheme 2023. Collection method: clinical testing. Allele origin: germline.

Women's Health and Genetics/Laboratory Corporation of America, LabCorp
Classification: Uncertain significance. Last evaluated: 2023-08-01. Review status: criteria provided, single submitter. Criteria: LabCorp Variant Classification Summary - May 2015. Collection method: clinical testing. Allele origin: germline.
Comment: Variant summary: TBXA2R c.999G>T (p.Gln333His) results in a non-conservative amino acid change in the encoded protein sequence. Four of five in-silico tools predict a benign effect of the variant on protein function. The variant allele was found at a frequency of 1.8e-05 in 217422 control chromosomes (gnomAD). The available data on variant occurrences in the general population are insufficient to allow any conclusion about variant significance. To our knowledge, no occurrence of c.999G>T in individuals affected with Bleeding Diathesis Due To Thromboxane Synthesis Deficiency or other TBXA2R-related disorders and no experimental evidence demonstrating its impact on protein function have been reported. One submitter has provided a clinical-significance assessment for this variant to ClinVar after 2014 and has classified the variant as uncertain significance. Based on the evidence outlined above, the variant was classified as uncertain significance.